The following is an entry in ClinVar:

NM_178857.6(RP1L1):c.4908G>A (p.Glu1636=)

Gene: RP1L1 (RP1 like 1). Cytogenetic location: 8p23.1.
Variant type: single nucleotide variant.
Coding change: c.4908G>A on transcript NM_178857.6 (MANE Select); coding-DNA position 4908, G replaced by A.
Protein change: p.Glu1636=; no amino-acid change (glutamic acid 1636 retained).
Molecular consequence: synonymous variant.
Genome position (GRCh38, 1-based): chr8:10,609,190, C>T on the plus strand (G>A on the coding strand, the complement: RP1L1 is on the minus strand). VCF-style: chr8-10609190-C-T. GRCh37 (hg19) VCF-style: chr8-10466700-C-T.
Identifiers: ClinVar variation 4978982 (VCV004978982.1).
Genomic context (GRCh38, chr8:10,609,190, plus strand): 5'-GAACTCCTCCCCCTCCGCCTCCTCGCCCAGCTGGCTCCCCAGGGCTGTGCTGAGGGCTGG[C>T]TCGTCCTCCAGGGTGAAGGAGAGGGGCCCCAGGCCCAGGGTCCGCTCAGAGAAGGCCGAG-3'
Protein context (NP_849188.4, residues 1626-1646): LGPLSFTLED[Glu1636=]PALSTALGSQ

ClinVar aggregate classification (germline): Likely benign (1 of 4 stars; one submission).

Conditions:
RP1L1-related disorder. Also called: RP1L1-related condition.

gnomAD v4.1: 15 of 1,611,406 alleles (0.00093%); highest among the groups gnomAD compares: Admixed American, 0.025%; no homozygotes.

Submission:

PreventionGenetics, part of Exact Sciences
Classification: Likely benign for RP1L1-related condition. Last evaluated: 2024-10-28. Review status: criteria provided, single submitter. Criteria: ACMG Guidelines, 2015. Collection method: clinical testing. Allele origin: germline.
Comment: This variant is classified as likely benign based on ACMG/AMP sequence variant interpretation guidelines (Richards et al. 2015 PMID: 25741868, with internal and published modifications).